The following is an entry in ClinVar:

ClinVar aggregate classification (germline): Conflicting classifications of pathogenicity. Review status: criteria provided, conflicting classifications (1 of 4 stars). 3 submissions from 3 submitters: Uncertain significance (2); Likely benign (1). Last evaluated 2026-04-01.

Conditions:
Koolen-de Vries syndrome (KDVS). Identifiers: Orphanet 96169, MedGen C1864871, MONDO:0012496, OMIM 610443.
Inborn genetic diseases. Identifiers: MedGen C0950123, MeSH D030342.

Allele frequency attached by ClinVar (database versions not stated): gnomAD exomes 0.00004 and below 0.00001; ExAC 0.00002.
gnomAD v4.1: 55 of 1,614,082 alleles (0.0034%); highest among the groups gnomAD compares: Non-Finnish European, 0.0041%; no homozygotes.

Submissions (3):

Ambry Genetics
Classification: Uncertain significance for Inborn genetic diseases. Last evaluated: 2026-04-01. Review status: criteria provided, single submitter. Criteria: Ambry Variant Classification Scheme 2023. Collection method: clinical testing. Allele origin: germline.

Fulgent Genetics
Classification: Likely benign for Koolen-de Vries syndrome. Last evaluated: 2024-05-30. Review status: criteria provided, single submitter. Criteria: ACMG Guidelines, 2015. Collection method: clinical testing. Allele origin: germline.

Labcorp Genetics (formerly Invitae), Labcorp
Classification: Uncertain significance for Koolen-de Vries syndrome. Last evaluated: 2021-07-04. Review status: criteria provided, single submitter. Criteria: Invitae Variant Classification Sherloc (09022015). Collection method: clinical testing. Allele origin: germline.
Comment: Due to the possible presence of a polymorphic segmental duplication, the location of the variant could not be unambiguously resolved. Variants with ambiguous mapping are still reported relative to the KANSL1 transcript. This sequence change replaces arginine with histidine at codon 297 of the KANSL1 protein (p.Arg297His). The arginine residue is highly conserved and there is a small physicochemical difference between arginine and histidine. The frequency data for this variant in the population databases (ExAC) is considered unreliable due to the presence of homologous sequence, such as pseudogenes or paralogs, in the genome. This variant has not been reported in the literature in individuals with KANSL1-related conditions. Algorithms developed to predict the effect of missense changes on protein structure and function (SIFT, PolyPhen-2, Align-GVGD) all suggest that this variant is likely to be disruptive. Until the location of this sequence change can be resolved, the clinical significance of this variant remains uncertain. It has been classified as a Variant of Uncertain Significance.

NM_015443.4(KANSL1):c.890G>A (p.Arg297His)

Gene: KANSL1 (KAT8 regulatory NSL complex subunit 1). Cytogenetic location: 17q21.31.
Variant type: single nucleotide variant.
Coding change: c.890G>A on transcript NM_015443.4 (MANE Select); coding-DNA position 890, G replaced by A.
Protein change: p.Arg297His; replaces arginine 297 with histidine.
Molecular consequence: missense variant.
Genome position (GRCh38, 1-based): chr17:46,171,254, C>T on the plus strand (G>A on the coding strand, the complement: KANSL1 is on the minus strand). VCF-style: chr17-46171254-C-T. GRCh37 (hg19) VCF-style: chr17-44248620-C-T.
Other names: c.890G>A (NM_001193466.1); c.890G>A, p.Arg297His (NM_001193465.2, NM_001193466.2, NM_001379198.1); short protein forms R297H.
Identifiers: ClinVar variation 1509108 (VCV001509108.3), dbSNP rs748350342, ClinGen allele CA8618929.
Genomic context (GRCh38, chr17:46,171,254, plus strand): 5'-ATATGCCTCTCAACCTGCTTGGCTTGCACAACCTGTAAGCGCTTTTGTAATCTGCGGGCA[C>T]GGCTCTCAATGTCAGCCTGTCGCCGCAGTAAAGCTGTTATCCTTGTGTCAGAATCTAAAG-3'
Protein context (NP_056258.1, residues 287-307): LLRRQADIES[Arg297His]ARRLQKRLQV